The following is an entry in ClinVar:

ClinVar aggregate classification (germline): Uncertain significance (1 of 4 stars; one submission).

Conditions:
Left ventricular noncompaction 8 (LVNC8). Identifiers: Orphanet 154, Orphanet 54260, MedGen C3809288, MONDO:0014152, OMIM 615373.

gnomAD v4.1: 10 of 1,611,802 alleles (0.00062%); highest among the groups gnomAD compares: Middle Eastern, 0.016%; no homozygotes.

Submission:

Labcorp Genetics (formerly Invitae), Labcorp
Classification: Uncertain significance for Left ventricular noncompaction 8. Last evaluated: 2022-10-26. Review status: criteria provided, single submitter. Criteria: Invitae Variant Classification Sherloc (09022015). Collection method: clinical testing. Allele origin: germline.
Comment: This variant is present in population databases (no rsID available, gnomAD 0.002%). In summary, the available evidence is currently insufficient to determine the role of this variant in disease. Therefore, it has been classified as a Variant of Uncertain Significance. Algorithms developed to predict the effect of missense changes on protein structure and function are either unavailable or do not agree on the potential impact of this missense change (SIFT: "Deleterious"; PolyPhen-2: "Probably Damaging"; Align-GVGD: "Class C0"). This variant has not been reported in the literature in individuals affected with PRDM16-related conditions. This sequence change replaces arginine, which is basic and polar, with glutamine, which is neutral and polar, at codon 743 of the PRDM16 protein (p.Arg743Gln).

NM_022114.4(PRDM16):c.2228G>A (p.Arg743Gln)

Gene: PRDM16 (PR/SET domain 16; plus strand). Cytogenetic location: 1p36.32.
Variant type: single nucleotide variant.
Coding change: c.2228G>A on transcript NM_022114.4 (MANE Select); coding-DNA position 2228, G replaced by A.
Protein change: p.Arg743Gln; replaces arginine 743 with glutamine.
Molecular consequence: missense variant.
Genome position (GRCh38, 1-based): chr1:3,412,425, G>A. VCF-style: chr1-3412425-G-A. GRCh37 (hg19) VCF-style: chr1-3328989-G-A.
Other names: c.2228G>A, p.Arg743Gln (NM_199454.3); short protein forms R743Q.
Identifiers: ClinVar variation 1967782 (VCV001967782.5), dbSNP rs532623381, ClinGen allele CA337999948.